The following is an entry in ClinVar:

NM_001378964.1(CDON):c.980C>T (p.Ala327Val)

Gene: CDON (cell adhesion associated, oncogene regulated; minus strand). Cytogenetic location: 11q24.2.
Variant type: single nucleotide variant.
Coding change: c.980C>T on transcript NM_001378964.1 (MANE Select); coding-DNA position 980, C replaced by T.
Protein change: p.Ala327Val; replaces alanine 327 with valine.
Molecular consequence: missense variant.
Genome position (GRCh38, 1-based): chr11:126,015,459, G>A on the plus strand (C>T on the coding strand, the complement: CDON is on the minus strand). VCF-style: chr11-126015459-G-A. GRCh37 (hg19) VCF-style: chr11-125885354-G-A.
Other names: c.980C>T, p.Ala327Val (NM_001243597.3, NM_016952.6); short protein forms A327V.
Identifiers: ClinVar variation 3682885 (VCV003682885.2).

ClinVar aggregate classification (germline): Uncertain significance (1 of 4 stars; one submission).

Conditions:
Holoprosencephaly 11 (HPE11). Identifiers: Orphanet 2162, MedGen C3280215, MONDO:0013642, OMIM 614226.

Submission:

Labcorp Genetics (formerly Invitae), Labcorp
Classification: Uncertain significance for Holoprosencephaly 11. Last evaluated: 2024-07-09. Review status: criteria provided, single submitter. Criteria: Invitae Variant Classification Sherloc (09022015). Collection method: clinical testing. Allele origin: germline.
Comment: This sequence change replaces alanine, which is neutral and non-polar, with valine, which is neutral and non-polar, at codon 327 of the CDON protein (p.Ala327Val). This variant is not present in population databases (gnomAD no frequency). This variant has not been reported in the literature in individuals affected with CDON-related conditions. Advanced modeling of protein sequence and biophysical properties (such as structural, functional, and spatial information, amino acid conservation, physicochemical variation, residue mobility, and thermodynamic stability) performed at Invitae indicates that this missense variant is not expected to disrupt CDON protein function with a negative predictive value of 80%. In summary, the available evidence is currently insufficient to determine the role of this variant in disease. Therefore, it has been classified as a Variant of Uncertain Significance.